The following is an entry in ClinVar:

NM_020461.4(TUBGCP6):c.2503G>T (p.Glu835Ter)

Gene: TUBGCP6 (tubulin gamma complex component 6; minus strand). Cytogenetic location: 22q13.33.
Variant type: single nucleotide variant.
Coding change: c.2503G>T on transcript NM_020461.4 (MANE Select); coding-DNA position 2503, G replaced by T.
Protein change: p.Glu835Ter; replaces glutamic acid 835 with a stop codon.
Molecular consequence: nonsense.
Genome position (GRCh38, 1-based): chr22:50,221,856, C>A on the plus strand (G>T on the coding strand, the complement: TUBGCP6 is on the minus strand). VCF-style: chr22-50221856-C-A. GRCh37 (hg19) VCF-style: chr22-50660285-C-A.
Other names: short protein forms E835*.
Identifiers: ClinVar variation 1424910 (VCV001424910.6), dbSNP rs2147180901, ClinGen allele CA412097853.

ClinVar aggregate classification (germline): Pathogenic (1 of 4 stars; one submission).

Submission:

Labcorp Genetics (formerly Invitae), Labcorp
Classification: Pathogenic. Last evaluated: 2022-08-22. Review status: criteria provided, single submitter. Criteria: Invitae Variant Classification Sherloc (09022015). Collection method: clinical testing. Allele origin: germline.
Comment: ClinVar contains an entry for this variant (Variation ID: 1424910). For these reasons, this variant has been classified as Pathogenic. This variant has not been reported in the literature in individuals affected with TUBGCP6-related conditions. This variant is not present in population databases (gnomAD no frequency). This sequence change creates a premature translational stop signal (p.Glu835*) in the TUBGCP6 gene. It is expected to result in an absent or disrupted protein product. Loss-of-function variants in TUBGCP6 are known to be pathogenic (PMID: 25344692).

Literature cited by the submitters: PubMed 25344692.